The following is an entry in ClinVar:

ClinVar aggregate classification (germline): Uncertain significance (1 of 4 stars; one submission).

Allele frequency attached by ClinVar (database versions not stated): gnomAD 0.00001; ExAC 0.00004; gnomAD exomes 0.00005.
gnomAD v4.1: 72 of 1,591,934 alleles (0.0045%); highest among the groups gnomAD compares: Non-Finnish European, 0.0056%; no homozygotes.

Submission:

Labcorp Genetics (formerly Invitae), Labcorp
Classification: Uncertain significance. Last evaluated: 2023-06-15. Review status: criteria provided, single submitter. Criteria: Invitae Variant Classification Sherloc (09022015). Collection method: clinical testing. Allele origin: germline.
Comment: In summary, the available evidence is currently insufficient to determine the role of this variant in disease. Therefore, it has been classified as a Variant of Uncertain Significance. Variants that disrupt the consensus splice site are a relatively common cause of aberrant splicing (PMID: 17576681, 9536098). Algorithms developed to predict the effect of sequence changes on RNA splicing suggest that this variant is not likely to affect RNA splicing. This variant has not been reported in the literature in individuals affected with USP7-related conditions. This variant is present in population databases (rs746989311, gnomAD 0.003%). This sequence change falls in intron 26 of the USP7 gene. It does not directly change the encoded amino acid sequence of the USP7 protein. It affects a nucleotide within the consensus splice site.

Literature cited by the submitters: PubMed 17576681; PubMed 9536098.

NM_003470.3(USP7):c.2820-3C>T

Gene: USP7 (ubiquitin specific peptidase 7; minus strand). Cytogenetic location: 16p13.2.
Variant type: single nucleotide variant.
Coding change: c.2820-3C>T on transcript NM_003470.3 (MANE Select); 3 bases into the intron before coding-DNA position 2820, C replaced by T.
Molecular consequence: intron variant.
Genome position (GRCh38, 1-based): chr16:8,895,744, G>A on the plus strand (C>T on the coding strand, the complement: USP7 is on the minus strand). VCF-style: chr16-8895744-G-A. GRCh37 (hg19) VCF-style: chr16-8989601-G-A.
Other names: c.2646-3C>T (NM_001321858.2); c.2772-3C>T (NM_001286457.2); c.2523-3C>T (NM_001286458.2).
Identifiers: ClinVar variation 2867724 (VCV002867724.3), dbSNP rs746989311, ClinGen allele CA7894866.
Genomic context (GRCh38, chr16:8,895,744, plus strand): 5'-TAATAGTTCATCTTCTTGATGAACACCAATGATTTTGTAGCTTACAATTTCTAGCAGCCT[G>A]AACAGAGAGGAAAAAAAAATAGGGCAAAATGAAGTATATATATTCACATAAAAATAAAAT-3'